The following is an entry in ClinVar:

ClinVar aggregate classification (germline): Benign (1 of 4 stars; one submission).

gnomAD v4.1: 1,580 of 1,614,190 alleles (0.098%); highest among the groups gnomAD compares: South Asian, 1.3%; 25 homozygotes.

Submission:

CeGaT Center for Human Genetics Tuebingen
Classification: Benign. Last evaluated: 2026-09-01. Review status: criteria provided, single submitter. Criteria: CeGaT Center For Human Genetics Tuebingen Variant Classification Criteria Version 2. Collection method: clinical testing. Allele origin: germline. Affected: yes. Observed: 4 variant alleles.
Comment: AGO2: BP4, BP7, BS1, BS2

NM_012154.5(AGO2):c.552G>A (p.Ala184=)

Genes: AGO2 (argonaute RISC catalytic component 2; minus strand), LOC126860545 (MED14-independent group 3 enhancer GRCh37_chr8:141569579-141570778; plus strand). Cytogenetic location: 8q24.3.
Variant type: single nucleotide variant.
Coding change: c.552G>A on transcript NM_012154.5 (MANE Select); coding-DNA position 552, G replaced by A.
Protein change: p.Ala184=; no amino-acid change (alanine 184 retained).
Molecular consequence: synonymous variant.
Genome position (GRCh38, 1-based): chr8:140,560,477, C>T on the plus strand (G>A on the coding strand, the complement: AGO2 is on the minus strand). VCF-style: chr8-140560477-C-T. GRCh37 (hg19) VCF-style: chr8-141570576-C-T.
Other names: c.552G>A, p.Ala184= (NM_001164623.3).
Identifiers: ClinVar variation 3898179 (VCV003898179.7).
Genomic context (GRCh38, chr8:140,560,477, plus strand): 5'-CTGATGGAAGCCAAACCACACTTCTCGGCCCCCGCCAAGAGGGTTAGAGCAGCCTTCGGA[C>T]GCGGTGAAGAAGGAGCGGCCCACGGGGGTGTACCTGGAACCAAGAGACCCCACCCCGCCT-3'
Protein context (NP_036286.2, residues 174-194): YTPVGRSFFT[Ala184=]SEGCSNPLGG